The following is an entry in ClinVar:

ClinVar aggregate classification (germline): Uncertain significance. Review status: criteria provided, multiple submitters, no conflicts (2 of 4 stars). 2 submissions from 2 submitters: Uncertain significance (2). Last evaluated 2025-05-29.

Conditions:
Inborn genetic diseases. Identifiers: MedGen C0950123, MeSH D030342.
Baller-Gerold syndrome (BGS). Also called: CRANIOSYNOSTOSIS WITH RADIAL DEFECTS. Identifiers: Orphanet 1225, MedGen C0265308, MONDO:0009039, OMIM 218600.

Submissions (2):

Ambry Genetics
Classification: Uncertain significance for Inborn genetic diseases. Last evaluated: 2025-05-29. Review status: criteria provided, single submitter. Criteria: Ambry Variant Classification Scheme 2023. Collection method: clinical testing. Allele origin: germline.
Comment: The p.D994N variant (also known as c.2980G>A), located in coding exon 17 of the RECQL4 gene, results from a G to A substitution at nucleotide position 2980. The aspartic acid at codon 994 is replaced by asparagine, an amino acid with highly similar properties. This amino acid position is conserved. Based on the available evidence, the clinical significance of this variant remains unclear.

Labcorp Genetics (formerly Invitae), Labcorp
Classification: Uncertain significance for Baller-Gerold syndrome. Last evaluated: 2023-07-31. Review status: criteria provided, single submitter. Criteria: Invitae Variant Classification Sherloc (09022015). Collection method: clinical testing. Allele origin: germline.
Comment: In summary, the available evidence is currently insufficient to determine the role of this variant in disease. Therefore, it has been classified as a Variant of Uncertain Significance. Advanced modeling of protein sequence and biophysical properties (such as structural, functional, and spatial information, amino acid conservation, physicochemical variation, residue mobility, and thermodynamic stability) performed at Invitae indicates that this missense variant is not expected to disrupt RECQL4 protein function. ClinVar contains an entry for this variant (Variation ID: 861311). This variant has not been reported in the literature in individuals affected with RECQL4-related conditions. This sequence change replaces aspartic acid, which is acidic and polar, with asparagine, which is neutral and polar, at codon 994 of the RECQL4 protein (p.Asp994Asn). This variant is not present in population databases (gnomAD no frequency).

NM_004260.4(RECQL4):c.2980G>A (p.Asp994Asn)

Gene: RECQL4 (RecQ like helicase 4; minus strand). Cytogenetic location: 8q24.3.
Variant type: single nucleotide variant.
Coding change: c.2980G>A on transcript NM_004260.4 (MANE Select); coding-DNA position 2980, G replaced by A.
Protein change: p.Asp994Asn; replaces aspartic acid 994 with asparagine.
Molecular consequence: missense variant.
Genome position (GRCh38, 1-based): chr8:144,512,467, C>T on the plus strand (G>A on the coding strand, the complement: RECQL4 is on the minus strand). VCF-style: chr8-144512467-C-T. GRCh37 (hg19) VCF-style: chr8-145737850-C-T.
Other names: short protein forms D994N.
Identifiers: ClinVar variation 861311 (VCV000861311.6), dbSNP rs1827434628, ClinGen allele CA372673007.